The following is an entry in ClinVar:

ClinVar aggregate classification (germline): Uncertain significance (1 of 4 stars; one submission).

Conditions:
Neurofibromatosis, type 1 (NF1). Also called: Peripheral type neurofibromatosis; VON RECKLINGHAUSEN DISEASE; Neurofibromatosis, type I; NEUROFIBROMATOSIS, TYPE I, SOMATIC. Identifiers: Orphanet 636, MedGen C0027831, MONDO:0018975, OMIM 162200. Disease mechanism: loss of function.

Submission:

Labcorp Genetics (formerly Invitae), Labcorp
Classification: Uncertain significance for Neurofibromatosis, type 1. Last evaluated: 2018-03-31. Review status: criteria provided, single submitter. Criteria: Invitae Variant Classification Sherloc (09022015). Collection method: clinical testing. Allele origin: germline.
Comment: This sequence change replaces serine with proline at codon 2509 of the NF1 protein (p.Ser2509Pro). The serine residue is moderately conserved and there is a moderate physicochemical difference between serine and proline. This variant is not present in population databases (ExAC no frequency). This variant has not been reported in the literature in individuals with NF1-related disease. Algorithms developed to predict the effect of missense changes on protein structure and function do not agree on the potential impact of this missense change (SIFT: "Deleterious"; PolyPhen-2: "Probably Damaging"; Align-GVGD: "Class C0"). In summary, the available evidence is currently insufficient to determine the role of this variant in disease. Therefore, it has been classified as a Variant of Uncertain Significance.

NM_001042492.3(NF1):c.7588T>C (p.Ser2530Pro)

Gene: NF1 (neurofibromin 1; plus strand). Cytogenetic location: 17q11.2.
Variant type: single nucleotide variant.
Coding change: c.7588T>C on transcript NM_001042492.3 (MANE Select); coding-DNA position 7588, T replaced by C.
Protein change: p.Ser2530Pro; replaces serine 2530 with proline.
Molecular consequence: missense variant.
Genome position (GRCh38, 1-based): chr17:31,352,387, T>C. VCF-style: chr17-31352387-T-C. GRCh37 (hg19) VCF-style: chr17-29679405-T-C.
Other names: c.7525T>C, p.Ser2509Pro (NM_000267.4); short protein forms S2509P, S2530P.
Identifiers: ClinVar variation 572859 (VCV000572859.5), dbSNP rs1567625190, ClinGen allele CA399017801.